The following is an entry in ClinVar:

NM_005654.6(NR2F1):c.92GCG[3] (p.Gly34_Gly36del)

Genes: NR2F1 (nuclear receptor subfamily 2 group F member 1; plus strand), NR2F1-AS1 (NR2F1 regulatory antisense RNA 1; minus strand). Cytogenetic location: 5q15.
Variant type: Microsatellite.
Coding change: c.92GCG[3] on transcript NM_005654.6 (MANE Select); three copies in a row of the 3-base unit GCG starting at c.92; the reference has six copies in a row; three copies, 9 bases deleted.
Protein change: p.Gly34_Gly36del.
Molecular consequence: inframe deletion.
Genome position (GRCh38, 1-based): chr5:93,585,124-93,585,132, GCGGCGGCG deleted; deleting any 9 consecutive bases within chr5:93,585,115-93,585,132 gives the same sequence; the position shown is the placement nearest the transcript's 3' end. VCF-style (leftmost placement, unchanged base first): chr5-93585114-CGCGGCGGCG-C. GRCh37 (hg19) VCF-style: chr5-92920820-CGCGGCGGCG-C.
Identifiers: ClinVar variation 1491712 (VCV001491712.6), dbSNP rs954495672, ClinGen allele CA815668915.

ClinVar aggregate classification (germline): Uncertain significance (1 of 4 stars; one submission).

Submission:

Labcorp Genetics (formerly Invitae), Labcorp
Classification: Uncertain significance. Last evaluated: 2025-02-19. Review status: criteria provided, single submitter. Criteria: Invitae Variant Classification Sherloc (09022015). Collection method: clinical testing. Allele origin: germline.
Comment: This variant, c.101_109del, results in the deletion of 3 amino acid(s) of the NR2F1 protein (p.Gly34_Gly36del), but otherwise preserves the integrity of the reading frame. The frequency data for this variant in the population databases is considered unreliable, as metrics indicate insufficient coverage at this position in the gnomAD database. This variant has not been reported in the literature in individuals affected with NR2F1-related conditions. Experimental studies and prediction algorithms are not available or were not evaluated, and the functional significance of this variant is currently unknown. In summary, the available evidence is currently insufficient to determine the role of this variant in disease. Therefore, it has been classified as a Variant of Uncertain Significance.